The following is an entry in ClinVar:

NM_144701.3(IL23R):c.874T>C (p.Phe292Leu)

Gene: IL23R (interleukin 23 receptor; plus strand). Cytogenetic location: 1p31.3.
Variant type: single nucleotide variant.
Coding change: c.874T>C on transcript NM_144701.3 (MANE Select); coding-DNA position 874, T replaced by C.
Protein change: p.Phe292Leu; replaces phenylalanine 292 with leucine.
Molecular consequence: missense variant.
Genome position (GRCh38, 1-based): chr1:67,219,649, T>C. VCF-style: chr1-67219649-T-C. GRCh37 (hg19) VCF-style: chr1-67685332-T-C.
Other names: short protein forms F292L.
Identifiers: ClinVar variation 1446937 (VCV001446937.8), dbSNP rs1650112980, ClinGen allele CA340731152.

ClinVar aggregate classification (germline): Uncertain significance (1 of 4 stars; one submission).

Submission:

Labcorp Genetics (formerly Invitae), Labcorp
Classification: Uncertain significance. Last evaluated: 2022-07-06. Review status: criteria provided, single submitter. Criteria: Invitae Variant Classification Sherloc (09022015). Collection method: clinical testing. Allele origin: germline.
Comment: In summary, the available evidence is currently insufficient to determine the role of this variant in disease. Therefore, it has been classified as a Variant of Uncertain Significance. Algorithms developed to predict the effect of missense changes on protein structure and function are either unavailable or do not agree on the potential impact of this missense change (SIFT: "Deleterious"; PolyPhen-2: "Benign"; Align-GVGD: "Class C0"). ClinVar contains an entry for this variant (Variation ID: 1446937). This variant has not been reported in the literature in individuals affected with IL23R-related conditions. This variant is not present in population databases (gnomAD no frequency). This sequence change replaces phenylalanine, which is neutral and non-polar, with leucine, which is neutral and non-polar, at codon 292 of the IL23R protein (p.Phe292Leu).